The following is an entry in ClinVar:

ClinVar aggregate classification (germline): Uncertain significance (1 of 4 stars; one submission).

Submission:

GeneDx
Classification: Uncertain significance. Last evaluated: 2026-02-24. Review status: criteria provided, single submitter. Criteria: GeneDx Variant Classification Process June 2021. Collection method: clinical testing. Allele origin: germline.
Comment: Not observed at significant frequency in large population cohorts (gnomAD); In silico analysis supports that this missense variant has a deleterious effect on protein structure/function; Has not been previously published as pathogenic or benign to our knowledge

NM_002971.6(SATB1):c.440A>T (p.Asp147Val)

Gene: SATB1 (SATB homeobox 1; minus strand). Cytogenetic location: 3p24.3.
Variant type: single nucleotide variant.
Coding change: c.440A>T on transcript NM_002971.6 (MANE Select); coding-DNA position 440, A replaced by T.
Protein change: p.Asp147Val; replaces aspartic acid 147 with valine.
Molecular consequence: missense variant.
Genome position (GRCh38, 1-based): chr3:18,416,082, T>A on the plus strand (A>T on the coding strand, the complement: SATB1 is on the minus strand). VCF-style: chr3-18416082-T-A. GRCh37 (hg19) VCF-style: chr3-18457574-T-A.
Other names: c.440A>T, p.Asp147Val (NM_001131010.4, NM_001195470.3, NM_001322871.2 and 4 more transcripts); c.224A>T, p.Asp75Val (NM_001322876.2); short protein forms D147V, D75V.
Identifiers: ClinVar variation 5009816 (VCV005009816.1).